The following is an entry in ClinVar:

ClinVar aggregate classification (germline): Pathogenic (1 of 4 stars; one submission).

Conditions:
Charcot-Marie-Tooth disease type 2. Also called: Charcot-Marie-Tooth type 2. Identifiers: Orphanet 64746, MedGen C0270914, MONDO:0018993.

Submission:

Labcorp Genetics (formerly Invitae), Labcorp
Classification: Pathogenic for Charcot-Marie-Tooth disease type 2. Last evaluated: 2025-06-22. Review status: criteria provided, single submitter. Criteria: Invitae Variant Classification Sherloc (09022015). Collection method: clinical testing. Allele origin: germline.
Comment: This sequence change affects a donor splice site in intron 1 of the LMNA gene. It is expected to disrupt RNA splicing. Variants that disrupt the donor or acceptor splice site typically lead to a loss of protein function (PMID: 16199547), and loss-of-function variants in LMNA are known to be pathogenic (PMID: 18585512, 18926329). This variant is not present in population databases (gnomAD no frequency). Disruption of this splice site has been observed in individuals with autosomal dominant LMNA-related conditions (PMID: 23062543; internal data). Algorithms developed to predict the effect of sequence changes on RNA splicing suggest that this variant may disrupt the consensus splice site. For these reasons, this variant has been classified as Pathogenic.

Literature cited by the submitters: PubMed 16199547; PubMed 18585512; PubMed 18926329; PubMed 23062543.

NM_170707.4(LMNA):c.356+2T>C

Gene: LMNA (lamin A/C; plus strand). Cytogenetic location: 1q22.
Variant type: single nucleotide variant.
Coding change: c.356+2T>C on transcript NM_170707.4 (MANE Select); the canonical splice donor site of the intron after coding-DNA position 356, T replaced by C.
Molecular consequence: splice donor variant. On other transcripts: intron variant (2).
Genome position (GRCh38, 1-based): chr1:156,115,276, T>C. VCF-style: chr1-156115276-T-C. GRCh37 (hg19) VCF-style: chr1-156085067-T-C.
Other names: c.356+2T>C (NM_001406983.1, NM_001282625.2, NM_001406984.1 and 6 more transcripts); c.-46+2T>C (NM_001407002.1, NM_001406995.1, NM_001406990.1); c.-203+8453T>C (NM_001406993.1, NM_001407003.1); c.-489+2T>C (NM_001406999.1); c.-68+2T>C (NM_001406986.1); c.-309+2T>C (NM_001407000.1, NM_001406994.1); c.-152+2T>C (NM_001407001.1).
Identifiers: ClinVar variation 4721865 (VCV004721865.1).